The following is an entry in ClinVar:

ClinVar aggregate classification (germline): Uncertain significance (1 of 4 stars; one submission).

Conditions:
Facioscapulohumeral muscular dystrophy 2 (FSHD2). Also called: MUSCULAR DYSTROPHY, FACIOSCAPULOHUMERAL, TYPE 1B; FACIOSCAPULOHUMERAL MUSCULAR DYSTROPHY 2, DIGENIC; FSHD2, DIGENIC. Identifiers: Orphanet 269, MedGen C1834671, MONDO:0008031, OMIM 158901.

Allele frequency attached by ClinVar (database versions not stated): gnomAD 0.00001; TOPMed 0.00001.
gnomAD v4.1: 31 of 1,496,152 alleles (0.0021%); highest among the groups gnomAD compares: Non-Finnish European, 0.0028%; no homozygotes.

Submission:

Labcorp Genetics (formerly Invitae), Labcorp
Classification: Uncertain significance for Facioscapulohumeral muscular dystrophy 2. Last evaluated: 2023-12-02. Review status: criteria provided, single submitter. Criteria: Invitae Variant Classification Sherloc (09022015). Collection method: clinical testing. Allele origin: germline.
Comment: This sequence change replaces proline, which is neutral and non-polar, with serine, which is neutral and polar, at codon 976 of the SMCHD1 protein (p.Pro976Ser). This variant is present in population databases (rs750059350, gnomAD 0.005%). This variant has not been reported in the literature in individuals affected with SMCHD1-related conditions. Advanced modeling of protein sequence and biophysical properties (such as structural, functional, and spatial information, amino acid conservation, physicochemical variation, residue mobility, and thermodynamic stability) performed at Invitae indicates that this missense variant is not expected to disrupt SMCHD1 protein function with a negative predictive value of 80%. In summary, the available evidence is currently insufficient to determine the role of this variant in disease. Therefore, it has been classified as a Variant of Uncertain Significance.

NM_015295.3(SMCHD1):c.2926C>T (p.Pro976Ser)

Gene: SMCHD1 (structural maintenance of chromosomes flexible hinge domain containing 1; plus strand). Cytogenetic location: 18p11.32.
Variant type: single nucleotide variant.
Coding change: c.2926C>T on transcript NM_015295.3 (MANE Select); coding-DNA position 2926, C replaced by T.
Protein change: p.Pro976Ser; replaces proline 976 with serine.
Molecular consequence: missense variant.
Genome position (GRCh38, 1-based): chr18:2,729,287, C>T. VCF-style: chr18-2729287-C-T. GRCh37 (hg19) VCF-style: chr18-2729285-C-T.
Other names: short protein forms P976S.
Identifiers: ClinVar variation 2966419 (VCV002966419.3), dbSNP rs750059350, ClinGen allele CA8871103.